The following is an entry in ClinVar:

NM_020751.3(COG6):c.181del (p.Ser61fs)

Gene: COG6 (component of oligomeric golgi complex 6; plus strand). Cytogenetic location: 13q14.11.
Variant type: Deletion.
Coding change: c.181del on transcript NM_020751.3 (MANE Select); coding-DNA position 181, one base deleted (T; older notation c.181delT).
Protein change: p.Ser61fs; shifts the reading frame from serine 61.
Molecular consequence: frameshift variant. On other transcripts: non-coding transcript variant (1).
Genome position (GRCh38, 1-based): chr13:39,659,391, T deleted; the last of 3 consecutive T bases (chr13:39,659,389-39,659,391); deleting any one gives the same sequence. VCF-style (leftmost placement, unchanged base first): chr13-39659388-CT-C. GRCh37 (hg19) VCF-style: chr13-40233525-CT-C.
Other names: c.181del, p.Ser61fs (NM_001145079.2); c.179delT (NM_001145079.2); short protein forms S61fs.
Identifiers: ClinVar variation 1690777 (VCV001690777.2), dbSNP rs2137941877, ClinGen allele CA2573149634.

ClinVar aggregate classification (germline): Likely pathogenic (1 of 4 stars; one submission).

Submission:

Laboratorio de Genetica e Diagnostico Molecular, Hospital Israelita Albert Einstein
Classification: Likely pathogenic. Last evaluated: 2020-01-21. Review status: criteria provided, single submitter. Criteria: ACMG Guidelines, 2015. Collection method: clinical testing. Allele origin: germline. Affected: yes.
Comment: ACMG classification criteria: PVS1, PM2